The following is an entry in ClinVar:

NM_001382567.1(STIM1):c.731TGA[1] (p.Met245del)

Gene: STIM1 (stromal interaction molecule 1; plus strand). Cytogenetic location: 11p15.4.
Variant type: Microsatellite.
Coding change: c.731TGA[1] on transcript NM_001382567.1 (MANE Select); one copy of the 3-base unit TGA starting at c.731; the reference has two copies in a row; one copy, 3 bases deleted.
Protein change: p.Met245del; deletes methionine 245.
Molecular consequence: inframe deletion. On other transcripts: non-coding transcript variant (2).
Genome position (GRCh38, 1-based): chr11:4,070,146-4,070,148, TGA deleted; deleting any 3 consecutive bases within chr11:4,070,141-4,070,148 gives the same sequence; the position shown is the placement nearest the transcript's 3' end. VCF-style (leftmost placement, unchanged base first): chr11-4070140-AGAT-A. GRCh37 (hg19) VCF-style: chr11-4091370-AGAT-A.
Other names: c.731TGA[1], p.Met245del (NM_001277961.3, NM_001277962.2, NM_001382568.1 and 2 more transcripts); c.509TGA[1], p.Met171del (NM_001382566.1, NM_001382573.1, NM_001382574.1 and 5 more transcripts); c.596TGA[1], p.Met200del (NM_001382569.1); c.503TGA[1], p.Met169del (NM_001382570.1); c.251TGA[1], p.Met85del (NM_001382571.1); c.242TGA[1], p.Met82del (NM_001382580.1, NM_001382581.1); short protein forms M171del, M200del, M245del, M85del, M169del, M82del.
Identifiers: ClinVar variation 940498 (VCV000940498.8), dbSNP rs2094394895, ClinGen allele CA1948953731.
Genomic context (GRCh38, chr11:4,070,140, plus strand): 5'-GTGTGGGCGGCTGCTGGTTTGCCTATATCCAGAACCGTTACTCCAAGGAGCACATGAAGA[AGAT>A]GATGAAGGACTTGGAGGGGTTACACCGAGCTGAGCAGAGTCTGCATGACCTTCAGGAAAG-3'

ClinVar aggregate classification (germline): Uncertain significance. Review status: criteria provided, multiple submitters, no conflicts (2 of 4 stars). 2 submissions from 2 submitters: Uncertain significance (2). Last evaluated 2024-02-01.

Conditions:
Stormorken syndrome (STRMK). Also called: THROMBOCYTOPATHY, ASPLENIA, AND MIOSIS. Identifiers: Orphanet 3204, MedGen C1861451, MONDO:0008497, OMIM 185070.
Combined immunodeficiency due to STIM1 deficiency. Also called: STIM1 DEFICIENCY; IMMUNODEFICIENCY 10. Identifiers: Orphanet 169090, Orphanet 317430, MedGen C2748557, MONDO:0013008, OMIM 612783.
Myopathy with tubular aggregates (TAM). Also called: Tubular Aggregate Myopathy. Identifiers: Orphanet 2593, MedGen C0410207, MONDO:0008051.

Submissions (2):

GeneDx
Classification: Uncertain significance. Last evaluated: 2024-02-01. Review status: criteria provided, single submitter. Criteria: GeneDx Variant Classification Process June 2021. Collection method: clinical testing. Allele origin: germline. Affected: yes.
Comment: In-frame deletion of 1 amino acid in a non-repeat region; Not observed at significant frequency in large population cohorts (gnomAD); In silico analysis supports a deleterious effect on protein structure/function; Has not been previously published as pathogenic or benign to our knowledge

Labcorp Genetics (formerly Invitae), Labcorp
Classification: Uncertain significance for Myopathy with tubular aggregates; Combined immunodeficiency due to STIM1 deficiency; Stormorken syndrome. Last evaluated: 2022-07-18. Review status: criteria provided, single submitter. Criteria: Invitae Variant Classification Sherloc (09022015). Collection method: clinical testing. Allele origin: germline.
Comment: This variant has not been reported in the literature in individuals affected with STIM1-related conditions. This variant is not present in population databases (gnomAD no frequency). This variant, c.734_736del, results in the deletion of 1 amino acid(s) of the STIM1 protein (p.Met245del), but otherwise preserves the integrity of the reading frame. In summary, the available evidence is currently insufficient to determine the role of this variant in disease. Therefore, it has been classified as a Variant of Uncertain Significance. Experimental studies and prediction algorithms are not available or were not evaluated, and the functional significance of this variant is currently unknown. ClinVar contains an entry for this variant (Variation ID: 940498).